The following is an entry in ClinVar:

NM_000143.4(FH):c.209C>G (p.Ala70Gly)

Gene: FH (fumarate hydratase; minus strand). Cytogenetic location: 1q43.
Variant type: single nucleotide variant.
Coding change: c.209C>G on transcript NM_000143.4 (MANE Select); coding-DNA position 209, C replaced by G.
Protein change: p.Ala70Gly; replaces alanine 70 with glycine.
Molecular consequence: missense variant.
Genome position (GRCh38, 1-based): chr1:241,517,240, G>C on the plus strand (C>G on the coding strand, the complement: FH is on the minus strand). VCF-style: chr1-241517240-G-C. GRCh37 (hg19) VCF-style: chr1-241680540-G-C.
Other names: short protein forms A70G.
Identifiers: ClinVar variation 3650169 (VCV003650169.2).
Genomic context (GRCh38, chr1:241,517,240, plus strand): 5'-ACTGGCATGCGTTCTGTCACACCTCCAATCTTAAAGTTCATCGTAGATCTCACGGTCTGG[G>C]CGCCATAATACTTATCATTTGGCACCTTTAGTTCACCAAAGGTATCATATTCTATCCGGA-3'
Protein context (NP_000134.2, residues 60-80): LKVPNDKYYG[Ala70Gly]QTVRSTMNFK

ClinVar aggregate classification (germline): Uncertain significance (1 of 4 stars; one submission).

Submission:

Labcorp Genetics (formerly Invitae), Labcorp
Classification: Uncertain significance. Last evaluated: 2024-04-17. Review status: criteria provided, single submitter. Criteria: Invitae Variant Classification Sherloc (09022015). Collection method: clinical testing. Allele origin: germline.
Comment: This sequence change replaces alanine, which is neutral and non-polar, with glycine, which is neutral and non-polar, at codon 70 of the FH protein (p.Ala70Gly). This variant is not present in population databases (gnomAD no frequency). This variant has not been reported in the literature in individuals affected with FH-related conditions. Advanced modeling of protein sequence and biophysical properties (such as structural, functional, and spatial information, amino acid conservation, physicochemical variation, residue mobility, and thermodynamic stability) performed at Invitae indicates that this missense variant is expected to disrupt FH protein function with a positive predictive value of 95%. In summary, the available evidence is currently insufficient to determine the role of this variant in disease. Therefore, it has been classified as a Variant of Uncertain Significance.